The following is an entry in ClinVar:

NM_001733.7(C1R):c.422T>G (p.Val141Gly)

Gene: C1R (complement C1r; minus strand). Cytogenetic location: 12p13.31.
Variant type: single nucleotide variant.
Coding change: c.422T>G on transcript NM_001733.7 (MANE Select); coding-DNA position 422, T replaced by G.
Protein change: p.Val141Gly; replaces valine 141 with glycine.
Molecular consequence: missense variant.
Genome position (GRCh38, 1-based): chr12:7,090,058, A>C on the plus strand (T>G on the coding strand, the complement: C1R is on the minus strand). VCF-style: chr12-7090058-A-C. GRCh37 (hg19) VCF-style: chr12-7242654-A-C.
Other names: c.464T>G, p.Val155Gly (NM_001354346.2); short protein forms V141G, V155G.
Identifiers: ClinVar variation 4885702 (VCV004885702.2).

ClinVar aggregate classification (germline): Uncertain significance (1 of 4 stars; one submission).

Submission:

Dasa
Classification: Uncertain significance. Last evaluated: 2025-12-17. Review status: criteria provided, single submitter. Criteria: DASA Assertion Criteria. Collection method: clinical testing. Allele origin: germline.
Comment: NM_001733.7(C1R):c.422T>G (p.Val141Gly) is a missense variant that results in the substitution of valine with glycine. This variant is rare in population databases. The currently available literature and clinical evidence are not sufficient to establish a definitive association between this variant and the reported condition. Therefore, this variant is classified as a variant of uncertain significance.